The following is an entry in ClinVar:

NM_017805.3(RASIP1):c.1650C>A (p.Arg550=)

Gene: RASIP1 (Ras interacting protein 1; minus strand). Cytogenetic location: 19q13.33.
Variant type: single nucleotide variant.
Coding change: c.1650C>A on transcript NM_017805.3 (MANE Select); coding-DNA position 1650, C replaced by A.
Protein change: p.Arg550=; no amino-acid change (arginine 550 retained).
Molecular consequence: synonymous variant.
Genome position (GRCh38, 1-based): chr19:48,729,120, G>T on the plus strand (C>A on the coding strand, the complement: RASIP1 is on the minus strand). VCF-style: chr19-48729120-G-T. GRCh37 (hg19) VCF-style: chr19-49232377-G-T.
Identifiers: ClinVar variation 2650220 (VCV002650220.24), dbSNP rs2033398149, ClinGen allele CA508273468.

ClinVar aggregate classification (germline): Likely benign (1 of 4 stars; one submission).

Submission:

CeGaT Center for Human Genetics Tuebingen
Classification: Likely benign. Last evaluated: 2022-08-01. Review status: criteria provided, single submitter. Criteria: CeGaT Center For Human Genetics Tuebingen Variant Classification Criteria Version 2. Collection method: clinical testing. Allele origin: germline. Affected: yes. Observed: 1 variant allele.
Comment: RASIP1: PM2:Supporting, BP4, BP7